The following is an entry in ClinVar:

ClinVar aggregate classification (germline): Uncertain significance. Review status: criteria provided, multiple submitters, no conflicts (2 of 4 stars). 3 submissions from 3 submitters: Uncertain significance (3). Last evaluated 2025-10-01.

Conditions:
MYH6-related disorder. Also called: MYH6-Related Disorders; MYH6-related condition.
Hypertrophic cardiomyopathy 14. Identifiers: MedGen C2750467, MONDO:0013197, OMIM 613251.
Cardiovascular phenotype. Identifiers: MedGen CN230736.

Allele frequency attached by ClinVar (database versions not stated): gnomAD exomes below 0.00001; TOPMed below 0.00001; gnomAD 0.00001.
gnomAD v4.1: 6 of 1,613,358 alleles (0.00037%); highest among the groups gnomAD compares: East Asian, 0.0045%; no homozygotes.

Submissions (3):

PreventionGenetics, part of Exact Sciences
Classification: Uncertain significance for MYH6-related condition. Last evaluated: 2025-10-01. Review status: criteria provided, single submitter. Criteria: ACMG Guidelines, 2015. Collection method: clinical testing. Allele origin: germline.
Comment: The MYH6 c.4037G>A variant is predicted to result in the amino acid substitution p.Arg1346Gln. This variant has been reported as a variant of uncertain significance in an individual with dilated cardiomyopathy; however, this individual also carried additional variants, including a homozygous pathogenic variant in GLB1 which could explain the clinical features (Table S6, Herkert et al. 2018. PubMed ID: 29517769; van der Meulen et al. 2022. PubMed ID: 36178741). This variant is reported in 0.0050% of alleles in individuals of East Asian descent in gnomAD. At this time, the clinical significance of this variant is uncertain due to the absence of conclusive functional and genetic evidence.

Labcorp Genetics (formerly Invitae), Labcorp
Classification: Uncertain significance for Hypertrophic cardiomyopathy 14. Last evaluated: 2023-10-23. Review status: criteria provided, single submitter. Criteria: Invitae Variant Classification Sherloc (09022015). Collection method: clinical testing. Allele origin: germline.
Comment: This sequence change replaces arginine, which is basic and polar, with glutamine, which is neutral and polar, at codon 1346 of the MYH6 protein (p.Arg1346Gln). This variant is present in population databases (no rsID available, gnomAD 0.005%). This missense change has been observed in individual(s) with clinical features of MYH6-related conditions (PMID: 36178741). ClinVar contains an entry for this variant (Variation ID: 1737251). An algorithm developed to predict the effect of missense changes on protein structure and function (PolyPhen-2) suggests that this variant is likely to be disruptive. In summary, the available evidence is currently insufficient to determine the role of this variant in disease. Therefore, it has been classified as a Variant of Uncertain Significance.

Ambry Genetics
Classification: Uncertain significance for Cardiovascular phenotype. Last evaluated: 2023-01-25. Review status: criteria provided, single submitter. Criteria: Ambry Variant Classification Scheme 2023. Collection method: clinical testing. Allele origin: germline.
Comment: The p.R1346Q variant (also known as c.4037G>A), located in coding exon 27 of the MYH6 gene, results from a G to A substitution at nucleotide position 4037. The arginine at codon 1346 is replaced by glutamine, an amino acid with highly similar properties. This variant has been detected in a patient from a pediatric dilated cardiomyopathy cohort who also had variants in other cardiac-related genes (Herkert JC et al. Genet. Med., 2018 11;20:1374-1386). This amino acid position is highly conserved in available vertebrate species. In addition, the in silico prediction for this alteration is inconclusive. Since supporting evidence is limited at this time, the clinical significance of this alteration remains unclear.

Literature cited by the submitters: PubMed 36178741 (cited by Labcorp Genetics (formerly Invitae), Labcorp and Ambry Genetics); PubMed 29517769 (cited by Ambry Genetics).

NM_002471.4(MYH6):c.4037G>A (p.Arg1346Gln)

Gene: MYH6 (myosin heavy chain 6; minus strand). Cytogenetic location: 14q11.2.
Variant type: single nucleotide variant.
Coding change: c.4037G>A on transcript NM_002471.4 (MANE Select); coding-DNA position 4037, G replaced by A.
Protein change: p.Arg1346Gln; replaces arginine 1346 with glutamine.
Molecular consequence: missense variant.
Genome position (GRCh38, 1-based): chr14:23,388,997, C>T on the plus strand (G>A on the coding strand, the complement: MYH6 is on the minus strand). VCF-style: chr14-23388997-C-T. GRCh37 (hg19) VCF-style: chr14-23858206-C-T.
Other names: short protein forms R1346Q.
Identifiers: ClinVar variation 1737251 (VCV001737251.5), dbSNP rs1186966233, ClinGen allele CA389002140.
Genomic context (GRCh38, chr14:23,388,997, plus strand): 5'-GCCTTGGACAGGACGCGCTGCAGCTCGGCCTTGGCCTCTGTCTCCTCCTCGTACTGCTCC[C>T]GCAGCAGGTCGCAGTCATGCCGGGCCGACTGCAGTGCATGGGCCAGGGCGTTCTTCGCCT-3'
Protein context (NP_002462.2, residues 1336-1356): QSARHDCDLL[Arg1346Gln]EQYEEETEAK